The following is an entry in ClinVar:

ClinVar aggregate classification (germline): Likely pathogenic (1 of 4 stars; one submission).

Submission:

GeneDx
Classification: Likely pathogenic. Last evaluated: 2015-06-23. Review status: criteria provided, single submitter. Criteria: GeneDx Variant Classification (06012015). Collection method: clinical testing. Allele origin: germline. Affected: yes.
Comment: The M1780V variant has not been published as a pathogenic variant, nor has it been reported as a benign polymorphism to our knowledge. However, a different amino acid substitution at the same position (M1780T) was previously reported in an individual with severe myoclonic epilepsy of infancy (SMEI) (Nabbout et al., 2003), and multiple missense variant in nearby residues have been reported in the Human Gene Mutation Database in association with SCN1A-related disorders (Stenson et al., 2014), supporting the functional importance of this region of the protein. M1780V was not observed in approximately 6,500 individuals of European and African American ancestry in the NHLBI Exome Sequencing Project, indicating it is not a common benign variant in these populations. This substitution alters a conserved position predicted to be in the transmembrane segment S6 in the fourth homologous domain, and in silico analysis predicts this variant is probably damaging to the protein structure/function. However, the M1780V variant is a conservative amino acid substitution, which is not likely to impact secondary protein structure as these residues share similar properties. Therefore, this variant is a strong candidate for a pathogenic variant, however the possibility that it is a benign variant cannot be excluded.

NM_001165963.4(SCN1A):c.5338A>G (p.Met1780Val)

Genes: SCN1A (sodium voltage-gated channel alpha subunit 1; minus strand), LOC102724058 (uncharacterized LOC102724058; plus strand). Cytogenetic location: 2q24.3.
Variant type: single nucleotide variant.
Coding change: c.5338A>G on transcript NM_001165963.4 (MANE Select); coding-DNA position 5338, A replaced by G.
Protein change: p.Met1780Val; replaces methionine 1780 with valine.
Molecular consequence: missense variant. On other transcripts: non-coding transcript variant (1).
Genome position (GRCh38, 1-based): chr2:165,991,937, T>C on the plus strand (A>G on the coding strand, the complement: SCN1A is on the minus strand). VCF-style: chr2-165991937-T-C. GRCh37 (hg19) VCF-style: chr2-166848447-T-C.
Other names: c.5254A>G, p.Met1752Val (NM_001165964.3, NM_001353957.2, NM_001353958.2); c.5338A>G, p.Met1780Val (NM_001202435.3, NM_001353948.2); c.5305A>G, p.Met1769Val (NM_001353949.2, NM_001353950.2, NM_001353951.2 and 2 more transcripts); c.5302A>G, p.Met1768Val (NM_001353954.2, NM_001353955.2); c.5251A>G, p.Met1751Val (NM_001353960.2); c.2896A>G, p.Met966Val (NM_001353961.2); short protein forms M1769V, M1780V, M1752V, M1768V, M1751V, M966V.
Identifiers: ClinVar variation 427080 (VCV000427080.2), dbSNP rs1085307945, ClinGen allele CA349068113.